The following is an entry in ClinVar:

ClinVar aggregate classification (germline): Uncertain significance (1 of 4 stars; one submission).

Conditions:
Hereditary nonpolyposis colorectal neoplasms. Identifiers: MedGen C0009405, MeSH D003123.

Submission:

Labcorp Genetics (formerly Invitae), Labcorp
Classification: Uncertain significance for Hereditary nonpolyposis colorectal neoplasms. Last evaluated: 2023-12-13. Review status: criteria provided, single submitter. Criteria: Invitae Variant Classification Sherloc (09022015). Collection method: clinical testing. Allele origin: germline.
Comment: This sequence change replaces phenylalanine, which is neutral and non-polar, with tyrosine, which is neutral and polar, at codon 95 of the PMS2 protein (p.Phe95Tyr). This variant is not present in population databases (gnomAD no frequency). This variant has not been reported in the literature in individuals affected with PMS2-related conditions. Advanced modeling of protein sequence and biophysical properties (such as structural, functional, and spatial information, amino acid conservation, physicochemical variation, residue mobility, and thermodynamic stability) has been performed at Invitae for this missense variant, however the output from this modeling did not meet the statistical confidence thresholds required to predict the impact of this variant on PMS2 protein function. In summary, the available evidence is currently insufficient to determine the role of this variant in disease. Therefore, it has been classified as a Variant of Uncertain Significance.

NM_000535.7(PMS2):c.284T>A (p.Phe95Tyr)

Gene: PMS2 (PMS1 homolog 2, mismatch repair system component; minus strand). Cytogenetic location: 7p22.1.
Variant type: single nucleotide variant.
Coding change: c.284T>A on transcript NM_000535.7 (MANE Select); coding-DNA position 284, T replaced by A.
Protein change: p.Phe95Tyr; replaces phenylalanine 95 with tyrosine.
Molecular consequence: missense variant. On other transcripts: 5 prime UTR variant (35), non-coding transcript variant (1), intron variant (11).
Genome position (GRCh38, 1-based): chr7:6,003,759, A>T on the plus strand (T>A on the coding strand, the complement: PMS2 is on the minus strand). VCF-style: chr7-6003759-A-T. GRCh37 (hg19) VCF-style: chr7-6043390-A-T.
Other names: c.284T>A, p.Phe95Tyr (NM_001406884.1, NM_001406886.1, NM_001406912.1 and 8 more transcripts); c.-122T>A (NM_001406887.1, NM_001406891.1, NM_001406893.1 and 14 more transcripts); c.-69T>A (NM_001406888.1, NM_001406889.1, NM_001406892.1 and 6 more transcripts); c.-112T>A (NM_001406890.1); c.35+213T>A (NM_001322008.2, NM_001406902.1, NM_001406883.1 and 4 more transcripts); c.-132+213T>A (NM_001406881.1, NM_001406900.1); c.-52-1123T>A (NM_001406896.1); c.250+213T>A (NM_001406885.1); and 5 more; short protein forms F157Y, F103Y, F95Y.
Identifiers: ClinVar variation 2698941 (VCV002698941.3), dbSNP rs2128827264, ClinGen allele CA366744660.